The following is an entry in ClinVar:

ClinVar aggregate classification (germline): Conflicting classifications of pathogenicity. Review status: criteria provided, conflicting classifications (1 of 4 stars). 6 submissions from 6 submitters: Uncertain significance (4); Likely benign (2). Last evaluated 2025-11-13.

Conditions:
Inborn genetic diseases. Identifiers: MedGen C0950123, MeSH D030342.
Microcephaly 5, primary, autosomal recessive (MCPH5). Also called: ASPM Primary Microcephaly. Identifiers: Orphanet 2512, MedGen C1837501, MONDO:0012106, OMIM 608716.

Allele frequency attached by ClinVar (database versions not stated): gnomAD exomes 0.00023 and 0.00027; ExAC 0.00024; gnomAD 0.00026 and 0.00027; TOPMed 0.00028; ESP Exome Variant Server 0.00038.
gnomAD v4.1: 424 of 1,608,976 alleles (0.026%); highest among the groups gnomAD compares: Non-Finnish European, 0.034%; no homozygotes.

Submissions (6):

Ambry Genetics
Classification: Uncertain significance for Inborn genetic diseases. Last evaluated: 2025-11-13. Review status: criteria provided, single submitter. Criteria: Ambry Variant Classification Scheme 2023. Collection method: clinical testing. Allele origin: germline.
Comment: The c.8966A>G (p.Y2989C) alteration is located in exon 19 (coding exon 19) of the ASPM gene. This alteration results from a A to G substitution at nucleotide position 8966, causing the tyrosine (Y) at amino acid position 2989 to be replaced by a cysteine (C). Based on data from gnomAD, the G allele has an overall frequency of 0.024% (68/281258) total alleles studied. The highest observed frequency was 0.044% (56/128214) of European (non-Finnish) alleles. Based on insufficient or conflicting evidence, the clinical significance of this alteration remains unclear.

Labcorp Genetics (formerly Invitae), Labcorp
Classification: Uncertain significance. Last evaluated: 2024-11-05. Review status: criteria provided, single submitter. Criteria: Invitae Variant Classification Sherloc (09022015). Collection method: clinical testing. Allele origin: germline.
Comment: This sequence change replaces tyrosine, which is neutral and polar, with cysteine, which is neutral and slightly polar, at codon 2989 of the ASPM protein (p.Tyr2989Cys). This variant is present in population databases (rs149690383, gnomAD 0.05%). This variant has not been reported in the literature in individuals affected with ASPM-related conditions. ClinVar contains an entry for this variant (Variation ID: 234656). An algorithm developed to predict the effect of missense changes on protein structure and function outputs the following: PolyPhen-2: "Benign". The cysteine amino acid residue is found in multiple mammalian species, which suggests that this missense change does not adversely affect protein function. In summary, the available evidence is currently insufficient to determine the role of this variant in disease. Therefore, it has been classified as a Variant of Uncertain Significance.

GeneDx
Classification: Likely benign. Last evaluated: 2023-07-11. Review status: criteria provided, single submitter. Criteria: GeneDx Variant Classification Process June 2021. Collection method: clinical testing. Allele origin: germline. Affected: yes.
Comment: See Variant Classification Assertion Criteria.

CeGaT Center for Human Genetics Tuebingen
Classification: Likely benign. Last evaluated: 2018-07-01. Review status: criteria provided, single submitter. Criteria: CeGaT Center For Human Genetics Tuebingen Variant Classification Criteria Version 2. Collection method: clinical testing. Allele origin: germline. Affected: yes. Observed: 1 variant allele.

Illumina Laboratory Services, Illumina
Classification: Uncertain significance for Microcephaly 5, primary, autosomal recessive. Last evaluated: 2018-01-12. Review status: criteria provided, single submitter. Criteria: ICSL Variant Classification Criteria 13 December 2019. Collection method: clinical testing. Allele origin: germline.

Eurofins Ntd Llc (ga)
Classification: Uncertain significance. Last evaluated: 2017-05-12. Review status: criteria provided, single submitter. Criteria: EGL Classification Definitions 2015. Collection method: clinical testing. Allele origin: germline. Observed: 1 variant allele, 1 heterozygote.

NM_018136.5(ASPM):c.8966A>G (p.Tyr2989Cys)

Gene: ASPM (assembly factor for spindle microtubules; minus strand). Cytogenetic location: 1q31.3.
Variant type: single nucleotide variant.
Coding change: c.8966A>G on transcript NM_018136.5 (MANE Select); coding-DNA position 8966, A replaced by G.
Protein change: p.Tyr2989Cys; replaces tyrosine 2989 with cysteine.
Molecular consequence: missense variant.
Genome position (GRCh38, 1-based): chr1:197,096,019, T>C on the plus strand (A>G on the coding strand, the complement: ASPM is on the minus strand). VCF-style: chr1-197096019-T-C. GRCh37 (hg19) VCF-style: chr1-197065149-T-C.
Other names: c.4211A>G, p.Tyr1404Cys (NM_001206846.2); short protein forms Y2989C, Y1404C.
Identifiers: ClinVar variation 234656 (VCV000234656.57), dbSNP rs149690383, ClinGen allele CA1309103.